The following is an entry in ClinVar:

ClinVar aggregate classification (germline): Conflicting classifications of pathogenicity. Review status: criteria provided, conflicting classifications (1 of 4 stars). 5 submissions from 5 submitters: Pathogenic (1); Likely pathogenic (2); Uncertain significance (2). Last evaluated 2021-09-24.

Conditions:
Microcephaly-intellectual disability-sensorineural hearing loss-epilepsy-abnormal muscle tone syndrome (NEDHSB). Also called: NEURODEVELOPMENTAL DISORDER WITH HEARING LOSS, SEIZURES, AND BRAIN ABNORMALITIES. Identifiers: Orphanet 457351, MedGen C4225276, MONDO:0014698, OMIM 616577.

Allele frequency attached by ClinVar (database versions not stated): gnomAD exomes 0.00001; ExAC 0.00002; ESP Exome Variant Server 0.00008.
gnomAD v4.1: 11 of 1,613,240 alleles (0.00068%); highest among the groups gnomAD compares: Non-Finnish European, 0.00093%; no homozygotes.

Submissions (5):

MGZ Medical Genetics Center
Classification: Likely pathogenic for Microcephaly-intellectual disability-sensorineural hearing loss-epilepsy-abnormal muscle tone syndrome. Last evaluated: 2021-09-24. Review status: criteria provided, single submitter. Criteria: ACMG Guidelines, 2015. Collection method: clinical testing. Allele origin: germline. Affected: yes. Observed: 1 variant allele.
Comment: ACMG criteria applied: PM3, PM5, PM2_SUP, PP2, PP3

Labcorp Genetics (formerly Invitae), Labcorp
Classification: Uncertain significance for Microcephaly-intellectual disability-sensorineural hearing loss-epilepsy-abnormal muscle tone syndrome. Last evaluated: 2021-09-02. Review status: criteria provided, single submitter. Criteria: Invitae Variant Classification Sherloc (09022015). Collection method: clinical testing. Allele origin: germline.
Comment: This sequence change replaces tryptophan with serine at codon 626 of the SPATA5 protein (p.Trp626Ser). The tryptophan residue is highly conserved and there is a large physicochemical difference between tryptophan and serine. This variant is present in population databases (rs375343753, ExAC 0.003%). This variant has not been reported in the literature in individuals affected with SPATA5-related conditions. ClinVar contains an entry for this variant (Variation ID: 426803). Algorithms developed to predict the effect of missense changes on protein structure and function (SIFT, PolyPhen-2, Align-GVGD) all suggest that this variant is likely to be disruptive. In summary, the available evidence is currently insufficient to determine the role of this variant in disease. Therefore, it has been classified as a Variant of Uncertain Significance.

GeneDx
Classification: Pathogenic. Last evaluated: 2020-07-31. Review status: criteria provided, single submitter. Criteria: GeneDx Variant Classification Process June 2021. Collection method: clinical testing. Allele origin: germline. Affected: yes.
Comment: Not observed at a significant frequency in large population cohorts (Lek et al., 2016); In silico analysis supports that this missense variant has a deleterious effect on protein structure/function; In addition, in silico splice predictors suggest this variant may lead to abnormal gene splicing; This variant is associated with the following publications: (PMID: 31912665)

CeGaT Center for Human Genetics Tuebingen
Classification: Likely pathogenic. Last evaluated: 2018-06-01. Review status: criteria provided, single submitter. Criteria: CeGaT Center For Human Genetics Tuebingen Variant Classification Criteria Version 2. Collection method: clinical testing. Allele origin: germline. Affected: yes. Observed: 1 variant allele.

Center for Pediatric Genomic Medicine, Children's Mercy Hospital and Clinics
Classification: Uncertain significance. Last evaluated: 2017-05-01. Review status: criteria provided, single submitter. Criteria: ACMG Guidelines, 2015. Collection method: clinical testing. Allele origin: germline.

NM_145207.3(AFG2A):c.1877G>C (p.Trp626Ser)

Gene: AFG2A (AAA ATPase AFG2A; plus strand). Cytogenetic location: 4q28.1.
Variant type: single nucleotide variant.
Coding change: c.1877G>C on transcript NM_145207.3 (MANE Select); coding-DNA position 1877, G replaced by C.
Protein change: p.Trp626Ser; replaces tryptophan 626 with serine.
Molecular consequence: missense variant.
Genome position (GRCh38, 1-based): chr4:123,028,193, G>C. VCF-style: chr4-123028193-G-C. GRCh37 (hg19) VCF-style: chr4-123949348-G-C.
Other names: c.1874G>C, p.Trp625Ser (NM_001317799.2, NM_001345856.2); short protein forms W626S, W625S.
Identifiers: ClinVar variation 426803 (VCV000426803.52), dbSNP rs375343753, ClinGen allele CA3070571.
Genomic context (GRCh38, chr4:123,028,193, plus strand): 5'-GTTCTCTGTTTGTCCTGGCAAAACTTATATTTGGAAAATGTTCTATTTTTCAGGTATCCT[G>C]GTCAGATATAGGAGGACTGGAAAGTATCAAACTGAAGTTGGAACAGGCTGTGGAATGGCC-3'
Protein context (NP_660208.2, residues 616-636): EIAIDVPNVS[Trp626Ser]SDIGGLESIK